The following is an entry in ClinVar:

ClinVar aggregate classification (germline): Uncertain significance (1 of 4 stars; one submission).

Conditions:
Birt-Hogg-Dube syndrome. Also called: Birt Hogg Dubé syndrome. Identifiers: Orphanet 122, MedGen C0346010, MONDO:0800444.

Submission:

Labcorp Genetics (formerly Invitae), Labcorp
Classification: Uncertain significance for Birt-Hogg-Dube syndrome. Last evaluated: 2024-08-08. Review status: criteria provided, single submitter. Criteria: Invitae Variant Classification Sherloc (09022015). Collection method: clinical testing. Allele origin: germline.
Comment: This sequence change replaces glycine, which is neutral and non-polar, with aspartic acid, which is acidic and polar, at codon 136 of the FLCN protein (p.Gly136Asp). This variant is not present in population databases (gnomAD no frequency). This variant has not been reported in the literature in individuals affected with FLCN-related conditions. Advanced modeling of protein sequence and biophysical properties (such as structural, functional, and spatial information, amino acid conservation, physicochemical variation, residue mobility, and thermodynamic stability) performed at Invitae indicates that this missense variant is expected to disrupt FLCN protein function with a positive predictive value of 80%. In summary, the available evidence is currently insufficient to determine the role of this variant in disease. Therefore, it has been classified as a Variant of Uncertain Significance.

NM_144997.7(FLCN):c.407G>A (p.Gly136Asp)

Gene: FLCN (folliculin; minus strand). Cytogenetic location: 17p11.2.
Variant type: single nucleotide variant.
Coding change: c.407G>A on transcript NM_144997.7 (MANE Select); coding-DNA position 407, G replaced by A.
Protein change: p.Gly136Asp; replaces glycine 136 with aspartic acid.
Molecular consequence: missense variant.
Genome position (GRCh38, 1-based): chr17:17,224,133, C>T on the plus strand (G>A on the coding strand, the complement: FLCN is on the minus strand). VCF-style: chr17-17224133-C-T. GRCh37 (hg19) VCF-style: chr17-17127447-C-T.
Other names: c.461G>A, p.Gly154Asp (NM_001353229.2); c.407G>A, p.Gly136Asp (NM_001353230.2, NM_001353231.2, NM_144606.7); short protein forms G136D, G154D.
Identifiers: ClinVar variation 3661735 (VCV003661735.2).